The following is an entry in ClinVar:

ClinVar aggregate classification (germline): Uncertain significance (1 of 4 stars; one submission).

Submission:

Labcorp Genetics (formerly Invitae), Labcorp
Classification: Uncertain significance. Last evaluated: 2025-02-11. Review status: criteria provided, single submitter. Criteria: Invitae Variant Classification Sherloc (09022015). Collection method: clinical testing. Allele origin: germline.
Comment: This variant, c.2667_2672del, results in the deletion of 2 amino acid(s) of the AP3D1 protein (p.Val890_Pro891del), but otherwise preserves the integrity of the reading frame. This variant is not present in population databases (gnomAD no frequency). This variant has not been reported in the literature in individuals affected with AP3D1-related conditions. Experimental studies and prediction algorithms are not available or were not evaluated, and the functional significance of this variant is currently unknown. In summary, the available evidence is currently insufficient to determine the role of this variant in disease. Therefore, it has been classified as a Variant of Uncertain Significance.

NM_001261826.3(AP3D1):c.2667_2672del (p.Val890_Pro891del)

Gene: AP3D1 (adaptor related protein complex 3 subunit delta 1; minus strand). Cytogenetic location: 19p13.3.
Variant type: Deletion.
Coding change: c.2667_2672del on transcript NM_001261826.3 (MANE Select); coding-DNA positions 2667 to 2672, 6 bases deleted (CGTTCC; older notation c.2667_2672delCGTTCC).
Protein change: p.Val890_Pro891del.
Molecular consequence: inframe deletion. On other transcripts: intron variant (1).
Genome position (GRCh38, 1-based): chr19:2,113,343-2,113,348, GGAACG deleted on the plus strand (CGTTCC on the coding strand, the reverse complement: AP3D1 is on the minus strand); deleting any 6 consecutive bases within chr19:2,113,343-2,113,350 gives the same sequence; the c. name uses the placement nearest the transcript's 3' end. VCF-style (leftmost placement, unchanged base first): chr19-2113342-TGGAACG-T. GRCh37 (hg19) VCF-style: chr19-2113341-TGGAACG-T.
Other names: c.2667_2672del, p.Val890_Pro891del (NM_001374799.1); c.2601+777_2601+782del (NM_003938.8).
Identifiers: ClinVar variation 4703783 (VCV004703783.1).